The following is an entry in ClinVar:

NM_001375.3(DNASE2):c.217G>C (p.Gly73Arg)

Genes: DNASE2 (deoxyribonuclease 2, lysosomal; minus strand), LOC117125588 (CRISPRi-FlowFISH-validated KLF1 regulatory element 1; plus strand). Cytogenetic location: 19p13.13.
Variant type: single nucleotide variant.
Coding change: c.217G>C on transcript NM_001375.3 (MANE Select); coding-DNA position 217, G replaced by C.
Protein change: p.Gly73Arg; replaces glycine 73 with arginine.
Molecular consequence: missense variant.
Genome position (GRCh38, 1-based): chr19:12,881,022, C>G on the plus strand (G>C on the coding strand, the complement: DNASE2 is on the minus strand). VCF-style: chr19-12881022-C-G. GRCh37 (hg19) VCF-style: chr19-12991836-C-G.
Other names: short protein forms G73R.
Identifiers: ClinVar variation 4712487 (VCV004712487.1).

ClinVar aggregate classification (germline): Uncertain significance (1 of 4 stars; one submission).

Submission:

Labcorp Genetics (formerly Invitae), Labcorp
Classification: Uncertain significance. Last evaluated: 2025-02-06. Review status: criteria provided, single submitter. Criteria: Invitae Variant Classification Sherloc (09022015). Collection method: clinical testing. Allele origin: germline.
Comment: This sequence change replaces glycine, which is neutral and non-polar, with arginine, which is basic and polar, at codon 73 of the DNASE2 protein (p.Gly73Arg). This variant is not present in population databases (gnomAD no frequency). This variant has not been reported in the literature in individuals affected with DNASE2-related conditions. An algorithm developed to predict the effect of missense changes on protein structure and function outputs the following: PolyPhen-2: "Possibly Damaging". The arginine amino acid residue is found in multiple mammalian species, which suggests that this missense change does not adversely affect protein function. In summary, the available evidence is currently insufficient to determine the role of this variant in disease. Therefore, it has been classified as a Variant of Uncertain Significance.